The following is an entry in ClinVar:

NM_000124.4(ERCC6):c.3417_3418insTTTTTTTTTTTTTTTTTTTTNNNNNNNNNNATGGCTAGCCAGTTTTCCCAGCACCATTTATTAAATAGGGAATCCTTTCCCCATTGCTTGTTTTTCTCAGGTTTAGGAACAGGCAAAACTTCT (p.Ser1139_Met1140insPhePhePhePhePhePheXaaXaaXaaXaaMetAlaSerGlnPheSerGlnHisHisLeuLeuAsnArgGluSerPheProHisCysLeuPhePheSerGlyLeuGlyThrGlyLysThrSer)

Gene: ERCC6 (ERCC excision repair 6, chromatin remodeling factor; minus strand). Cytogenetic location: 10q11.23.
Variant type: Insertion.
Coding change: c.3417_3418insTTTTTTTTTTTTTTTTTTTTNNNNNNNNNNATGGCTAGCCAGTTTTCCCAGCACCATTTATTAAATAGGGAATCCTTTCCCCATTGCTTGTTTTTCTCAGGTTTAGGAACAGGCAAAACTTCT on transcript NM_000124.4 (MANE Select); coding-DNA positions 3417 to 3418, TTTTTTTTTTTTTTTTTTTTNNNNNNNNNNATGGCTAGCCAGTTTTCCCAGCACCATTTATTAAATAGGGAATCCTTTCCCCATTGCTTGTTTTTCTCAGGTTTAGGAACAGGCAAAACTTCT inserted.
Protein change: p.Ser1139_Met1140insPhePhePhePhePhePheXaaXaaXaaXaaMetAlaSerGlnPheSerGlnHisHisLeuLeuAsnArgGluSerPheProHisCysLeuPhePheSerGlyLeuGlyThrGlyLysThrSer.
Molecular consequence: inframe insertion.
Genome position: GRCh38: chr10:49,470,561-49,470,562. GRCh37 (hg19): chr10:50,678,607-50,678,608.
Other names: c.3417_3418insTTTTTTTTTTTTTTTTTTTTNNNNNNNNNNATGGCTAGCCAGTTTTCCCAGCACCATTTATTAAATAGGGAATCCTTTCCCCATTGCTTGTTTTTCTCAGGTTTAGGAACAGGCAAAACTTCT, p.Ser1139_Met1140insPhePhePhePhePhePheXaaXaaXaaXaaMetAlaSerGlnPheSerGlnHisHisLeuLeuAsnArgGluSerPheProHisCysLeuPhePheSerGlyLeuGlyThrGlyLysThrSer (NM_001346440.2).
Identifiers: ClinVar variation 2768777 (VCV002768777.3), dbSNP rs2495972164.

ClinVar aggregate classification (germline): Pathogenic (1 of 4 stars; one submission).

Submission:

Labcorp Genetics (formerly Invitae), Labcorp
Classification: Pathogenic. Last evaluated: 2023-10-15. Review status: criteria provided, single submitter. Criteria: Invitae Variant Classification Sherloc (09022015). Collection method: clinical testing. Allele origin: germline.
Comment: This sequence change inserts a large fragment of DNA, likely a transposable element, in exon 18 of the ERCC6 gene (c.3417_3418ins?), causing a frameshift at codon 1140 (p.1140fs). The exact size and sequence of the insertion cannot be determined by the current assay. However, the insertion is expected to result in an absent or disrupted protein product. This variant is not present in population databases (gnomAD no frequency). This variant has not been reported in the literature in individuals affected with ERCC6-related conditions. Retrotransposon insertions including LINE1 (L1), Alu, and SVA (SINE-VNTR-Alu) have been reported to be disease-causing through disruption of either a coding region or splice site (PMID: 19763152, 20307669, 22406018) and loss-of-function variants in ERCC6 are known to be pathogenic (PMID: 18628313, 29572252). For these reasons, this variant has been classified as Pathogenic.

Literature cited by the submitters: PubMed 19763152; PubMed 20307669; PubMed 22406018; PubMed 18628313; PubMed 29572252.